The following is an entry in ClinVar:

ClinVar aggregate classification (germline): Uncertain significance (1 of 4 stars; one submission).

Conditions:
Immunodeficiency 14 (IMD14A). Also called: IMMUNODEFICIENCY 14A WITH LYMPHOPROLIFERATION, AUTOSOMAL DOMINANT; Activated PI3K Delta Syndrome Type 1 (APDS1); p110-DELTA-ACTIVATING MUTATION CAUSING SENESCENT T CELLS, LYMPHADENOPATHY, AND IMMUNODEFICIENCY; ACTIVATED PI3K-DELTA SYNDROME 1. Identifiers: Orphanet 397596, Orphanet 693661, MedGen C5907821, MONDO:0014222, OMIM 615513.

Submission:

Labcorp Genetics (formerly Invitae), Labcorp
Classification: Uncertain significance for Activated PI3K-delta syndrome. Last evaluated: 2022-07-14. Review status: criteria provided, single submitter. Criteria: Invitae Variant Classification Sherloc (09022015). Collection method: clinical testing. Allele origin: germline.
Comment: In summary, the available evidence is currently insufficient to determine the role of this variant in disease. Therefore, it has been classified as a Variant of Uncertain Significance. Algorithms developed to predict the effect of missense changes on protein structure and function are either unavailable or do not agree on the potential impact of this missense change (SIFT: "Deleterious"; PolyPhen-2: "Benign"; Align-GVGD: "Class C0"). This variant has not been reported in the literature in individuals affected with PIK3CD-related conditions. This variant is not present in population databases (gnomAD no frequency). This sequence change replaces lysine, which is basic and polar, with glutamic acid, which is acidic and polar, at codon 298 of the PIK3CD protein (p.Lys298Glu).

NM_005026.5(PIK3CD):c.892A>G (p.Lys298Glu)

Gene: PIK3CD (phosphatidylinositol-4,5-bisphosphate 3-kinase catalytic subunit delta; plus strand). Cytogenetic location: 1p36.22.
Variant type: single nucleotide variant.
Coding change: c.892A>G on transcript NM_005026.5 (MANE Select); coding-DNA position 892, A replaced by G.
Protein change: p.Lys298Glu; replaces lysine 298 with glutamic acid.
Molecular consequence: missense variant.
Genome position (GRCh38, 1-based): chr1:9,717,070, A>G. VCF-style: chr1-9717070-A-G. GRCh37 (hg19) VCF-style: chr1-9777128-A-G.
Other names: c.892A>G, p.Lys298Glu (NM_001350234.2); c.805A>G, p.Lys269Glu (NM_001350235.1); short protein forms K298E, K269E.
Identifiers: ClinVar variation 2140126 (VCV002140126.4), dbSNP rs2524866617, ClinGen allele CA338301628.